The following is an entry in ClinVar:

NM_000209.4(PDX1):c.735dup (p.Gly246fs)

Gene: PDX1 (pancreatic and duodenal homeobox 1; plus strand). Cytogenetic location: 13q12.2.
Variant type: Duplication.
Coding change: c.735dup on transcript NM_000209.4 (MANE Select); coding-DNA position 735, one base duplicated (A; older notation c.735dupA).
Protein change: p.Gly246fs; shifts the reading frame from glycine 246.
Molecular consequence: frameshift variant.
Genome position (GRCh38, 1-based): chr13:27,924,584, A duplicated. VCF-style (leftmost placement, unchanged base first): chr13-27924583-G-GA. GRCh37 (hg19) VCF-style: chr13-28498720-G-GA.
Other names: short protein forms G246fs.
Identifiers: ClinVar variation 2505338 (VCV002505338.2), dbSNP rs1566025744, ClinGen allele CA608741193.

ClinVar aggregate classification (germline): Likely pathogenic (1 of 4 stars; one submission).

Conditions:
Maturity-onset diabetes of the young type 4 (MODY4). Also called: MODY, type IV; Maturity-onset diabetes of the young, type IV. Identifiers: Orphanet 552, MedGen C1833382, MONDO:0011667, OMIM 606392.

Allele frequency attached by ClinVar (database versions not stated): gnomAD exomes 0.00001.

Submission:

Department of Laboratory Medicine, Seoul National University Bundang Hospital
Classification: Likely pathogenic for Maturity-onset diabetes of the young type 4. Last evaluated: 2023-05-31. Review status: criteria provided, single submitter. Criteria: ACMG Guidelines, 2015. Collection method: clinical testing. Allele origin: paternal. Inheritance: Autosomal dominant inheritance. Affected: yes. Observed: 5 variant alleles.
Comment: The frameshift variant detected in this study was located at the 3' end of the last exon of PDX1 gene, predicted to result in less than 10 % decrease in the total protein (PVS1_Moderate). The variant segregated during more than four meioses in the family (PP1_Moderate), and it is extremely rare in the general gnomAD population (PM2_Supporting). PP4 was also applied based on the calculated score of 75.5% on the Exeter MODY probability calculator. In summary, it was classified as likely pathogenic.

Literature cited by the submitters: PubMed 37652665; PubMed 30192042.